The following is an entry in ClinVar:

ClinVar aggregate classification (germline): Likely benign (1 of 4 stars; one submission).

gnomAD v4.1: 1,307 of 1,614,098 alleles (0.081%); highest among the groups gnomAD compares: Non-Finnish European, 0.015%; 7 homozygotes.

Submission:

CeGaT Center for Human Genetics Tuebingen
Classification: Likely benign. Last evaluated: 2025-09-01. Review status: criteria provided, single submitter. Criteria: CeGaT Center For Human Genetics Tuebingen Variant Classification Criteria Version 2. Collection method: clinical testing. Allele origin: germline. Affected: yes. Observed: 2 variant alleles.
Comment: TNR: BP4, BP7

NM_003285.3(TNR):c.21A>C (p.Thr7=)

Gene: TNR (tenascin R; minus strand). Cytogenetic location: 1q25.1.
Variant type: single nucleotide variant.
Coding change: c.21A>C on transcript NM_003285.3 (MANE Select); coding-DNA position 21, A replaced by C.
Protein change: p.Thr7=; no amino-acid change (threonine 7 retained).
Molecular consequence: synonymous variant. On other transcripts: 5 prime UTR variant (1).
Genome position (GRCh38, 1-based): chr1:175,406,694, T>G on the plus strand (A>C on the coding strand, the complement: TNR is on the minus strand). VCF-style: chr1-175406694-T-G. GRCh37 (hg19) VCF-style: chr1-175375830-T-G.
Other names: c.-875A>C (NM_001328635.2).
Identifiers: ClinVar variation 3905122 (VCV003905122.10).